The following is an entry in ClinVar:

NM_014974.3(DIP2C):c.2866G>T (p.Asp956Tyr)

Gene: DIP2C (DIP2 acetate--CoA ligase C (putative); minus strand). Cytogenetic location: 10p15.3.
Variant type: single nucleotide variant.
Coding change: c.2866G>T on transcript NM_014974.3 (MANE Select); coding-DNA position 2866, G replaced by T.
Protein change: p.Asp956Tyr; replaces aspartic acid 956 with tyrosine.
Molecular consequence: missense variant.
Genome position (GRCh38, 1-based): chr10:357,866, C>A on the plus strand (G>T on the coding strand, the complement: DIP2C is on the minus strand). VCF-style: chr10-357866-C-A. GRCh37 (hg19) VCF-style: chr10-403806-C-A.
Other names: short protein forms D956Y.
Identifiers: ClinVar variation 1718613 (VCV001718613.5), dbSNP rs2540629632, ClinGen allele CA375831673.

ClinVar aggregate classification (germline): Uncertain significance (1 of 4 stars; one submission).

Submission:

Labcorp Genetics (formerly Invitae), Labcorp
Classification: Uncertain significance. Last evaluated: 2022-09-01. Review status: criteria provided, single submitter. Criteria: Invitae Variant Classification Sherloc (09022015). Collection method: clinical testing. Allele origin: germline.
Comment: This sequence change replaces aspartic acid, which is acidic and polar, with tyrosine, which is neutral and polar, at codon 956 of the DIP2C protein (p.Asp956Tyr). In summary, the available evidence is currently insufficient to determine the role of this variant in disease. Therefore, it has been classified as a Variant of Uncertain Significance. Algorithms developed to predict the effect of missense changes on protein structure and function (SIFT, PolyPhen-2, Align-GVGD) all suggest that this variant is likely to be disruptive. This variant has not been reported in the literature in individuals affected with DIP2C-related conditions. This variant is not present in population databases (gnomAD no frequency).